The following is an entry in ClinVar:

ClinVar aggregate classification (germline): Benign/Likely benign. Review status: criteria provided, multiple submitters, no conflicts (2 of 4 stars). 16 submissions from 16 submitters: Benign (9); Likely benign (5). 2 of the submissions do not count toward it. Last evaluated 2026-09-01.

Conditions:
Spastic paraplegia. Identifiers: MedGen C0037772, HP:0001258.
Hereditary spastic paraplegia. Also called: Familial spastic paraparesis. Identifiers: Orphanet 685, MedGen C0037773, MONDO:0019064. Disease mechanism: loss of function.
Hereditary spastic paraplegia 10 (SPG10). Also called: SPASTIC PARAPLEGIA 10 WITH PERIPHERAL NEUROPATHY; SPASTIC PARAPLEGIA 10 WITH OR WITHOUT PERIPHERAL NEUROPATHY; SPASTIC PARAPLEGIA 10, AUTOSOMAL DOMINANT. Identifiers: Orphanet 100991, MedGen C1858712, MONDO:0011408, OMIM 604187.
Amyotrophic lateral sclerosis, susceptibility to, 25. Identifiers: MedGen C4693609, MONDO:0060670, OMIM 617921.
Myoclonus, intractable, neonatal (NEIMY). Identifiers: MedGen C4310658, MONDO:0014979, OMIM 617235.
Inborn genetic diseases. Identifiers: MedGen C0950123, MeSH D030342.

Allele frequency attached by ClinVar (database versions not stated): 1000 Genomes Project 30x 0.00062; 1000 Genomes Project 0.00080; gnomAD 0.00391 and 0.00394; gnomAD exomes 0.00404; ExAC 0.00413; TOPMed 0.00413; ESP Exome Variant Server 0.00561.
gnomAD v4.1: 9,357 of 1,613,844 alleles (0.58%); highest among the groups gnomAD compares: Non-Finnish European, 0.73%; 40 homozygotes.

Submissions (16):

CeGaT Center for Human Genetics Tuebingen
Classification: Benign. Last evaluated: 2026-09-01. Review status: criteria provided, single submitter. Criteria: CeGaT Center For Human Genetics Tuebingen Variant Classification Criteria Version 2. Collection method: clinical testing. Allele origin: germline. Affected: yes. Observed: 67 variant alleles.
Comment: KIF5A: BP4, BP7, BS1, BS2

Labcorp Genetics (formerly Invitae), Labcorp
Classification: Benign for Spastic paraplegia. Last evaluated: 2026-02-01. Review status: criteria provided, single submitter. Criteria: Invitae Variant Classification Sherloc (09022015). Collection method: clinical testing. Allele origin: germline.

ARUP Laboratories, Molecular Genetics and Genomics, ARUP Laboratories
Classification: Benign. Last evaluated: 2025-01-30. Review status: criteria provided, single submitter. Criteria: ARUP Molecular Germline Variant Investigation Process 2024. Collection method: clinical testing. Allele origin: germline.

Blueprint Genetics
Classification: Likely benign. Last evaluated: 2024-11-26. Review status: criteria provided, single submitter. Criteria: ACMG Guidelines, 2015. Collection method: clinical testing. Allele origin: germline.

Ambry Genetics
Classification: Likely benign for Inborn genetic diseases. Last evaluated: 2024-10-22. Review status: criteria provided, single submitter. Criteria: Ambry Variant Classification Scheme 2023. Collection method: clinical testing. Allele origin: germline.

Athena Diagnostics
Classification: Benign. Last evaluated: 2024-09-19. Review status: criteria provided, single submitter. Criteria: Athena Diagnostics Criteria. Collection method: clinical testing. Allele origin: unknown.

Fulgent Genetics
Classification: Likely benign for Hereditary spastic paraplegia 10; Myoclonus, intractable, neonatal; Amyotrophic lateral sclerosis, susceptibility to, 25. Last evaluated: 2022-01-17. Review status: criteria provided, single submitter. Criteria: ACMG Guidelines, 2015. Collection method: clinical testing. Allele origin: unknown.

Genome Diagnostics Laboratory, The Hospital for Sick Children
Classification: Benign for Hereditary spastic paraplegia. Last evaluated: 2021-03-05. Review status: criteria provided, single submitter. Criteria: ACMG Guidelines, 2015. Collection method: clinical testing. Allele origin: germline. Affected: yes.

Mayo Clinic Laboratories, Mayo Clinic
Classification: Benign. Last evaluated: 2019-08-23. Review status: criteria provided, single submitter. Criteria: ACMG Guidelines, 2015. Collection method: clinical testing. Allele origin: germline. Observed: 32 variant alleles.

Eurofins Ntd Llc (ga)
Classification: Benign. Last evaluated: 2018-04-10. Review status: criteria provided, single submitter. Criteria: EGL ClinVar v180209 classification definitions. Collection method: clinical testing. Allele origin: germline. Observed: 1 variant allele, 1 heterozygote.

Illumina Laboratory Services, Illumina
Classification: Benign for Hereditary spastic paraplegia 10. Last evaluated: 2018-01-13. Review status: criteria provided, single submitter. Criteria: ICSL Variant Classification Criteria 13 December 2019. Collection method: clinical testing. Allele origin: germline.
Comment: This variant was observed in the ICSL laboratory as part of a predisposition screen in an ostensibly healthy population. It had not been previously curated by ICSL or reported in the Human Gene Mutation Database (HGMD: prior to June 1st, 2018), and was therefore a candidate for classification through an automated scoring system. Utilizing variant allele frequency, disease prevalence and penetrance estimates, and inheritance mode, an automated score was calculated to assess if this variant is too frequent to cause the disease. Based on the score and internal cut-off values, a variant classified as benign is not then subjected to further curation. The score for this variant resulted in a classification of benign for this disease.

Clinical Genetics DNA and cytogenetics Diagnostics Lab, Erasmus MC, Erasmus Medical Center
Classification: Likely benign for Hereditary spastic paraplegia 10. Last evaluated: 2017-06-28. Review status: criteria provided, single submitter. Criteria: ACGS Guidelines, 2013. Collection method: clinical testing. Allele origin: germline. Affected: yes. Study: VKGL Data-share Consensus.

GeneDx
Classification: Benign. Last evaluated: 2016-11-01. Review status: criteria provided, single submitter. Criteria: GeneDx Variant Classification (06012015). Collection method: clinical testing. Allele origin: germline. Affected: yes.
Comment: This variant is considered likely benign or benign based on one or more of the following criteria: it is a conservative change, it occurs at a poorly conserved position in the protein, it is predicted to be benign by multiple in silico algorithms, and/or has population frequency not consistent with disease.

Breakthrough Genomics
Classification: Likely benign. Review status: criteria provided, single submitter. Criteria: ACMG Guidelines, 2015. Collection method: not provided. Allele origin: germline. Inheritance: Autosomal dominant inheritance. Affected: yes.

Clinical Genetics, Academic Medical Center
Classification: Likely benign. Review status: no assertion criteria provided. Collection method: clinical testing. Allele origin: germline. Affected: yes. Study: VKGL Data-share Consensus. Not counted in ClinVar's aggregate classification.

Joint Genome Diagnostic Labs from Nijmegen and Maastricht, Radboudumc and MUMC+
Classification: Benign. Review status: no assertion criteria provided. Collection method: clinical testing. Allele origin: germline. Affected: yes. Study: VKGL Data-share Consensus. Not counted in ClinVar's aggregate classification.

Literature cited by the submitters: PubMed 31404076 (cited by Athena Diagnostics).

NM_004984.4(KIF5A):c.2769G>A (p.Arg923=)

Gene: KIF5A (kinesin family member 5A; plus strand). Cytogenetic location: 12q13.3.
Variant type: single nucleotide variant.
Coding change: c.2769G>A on transcript NM_004984.4 (MANE Select); coding-DNA position 2769, G replaced by A.
Protein change: p.Arg923=; no amino-acid change (arginine 923 retained).
Molecular consequence: synonymous variant.
Genome position (GRCh38, 1-based): chr12:57,581,428, G>A. VCF-style: chr12-57581428-G-A. GRCh37 (hg19) VCF-style: chr12-57975211-G-A.
Other names: p.Arg923=; c.2502G>A, p.Arg834= (NM_001354705.2).
Identifiers: ClinVar variation 215507 (VCV000215507.73), dbSNP rs35225609, ClinGen allele CA338467.